The following is an entry in ClinVar:

NM_001089.3(ABCA3):c.3633G>A (p.Thr1211=)

Gene: ABCA3 (ATP binding cassette subfamily A member 3; minus strand). Cytogenetic location: 16p13.3.
Variant type: single nucleotide variant.
Coding change: c.3633G>A on transcript NM_001089.3 (MANE Select); coding-DNA position 3633, G replaced by A.
Protein change: p.Thr1211=; no amino-acid change (threonine 1211 retained).
Molecular consequence: synonymous variant.
Genome position (GRCh38, 1-based): chr16:2,284,849, C>T on the plus strand (G>A on the coding strand, the complement: ABCA3 is on the minus strand). VCF-style: chr16-2284849-C-T. GRCh37 (hg19) VCF-style: chr16-2334850-C-T.
Other names: c.3633G>A (NM_001089.2).
Identifiers: ClinVar variation 996086 (VCV000996086.11), dbSNP rs373682740, ClinGen allele CA7840444.
Genomic context (GRCh38, chr16:2,284,849, plus strand): 5'-CATGATGGTGACCATCAGGAAGGTGGCGATGCCTGACAGGATGTTGAAGATGGTCAGCCT[C>T]GTGTAGGCAGTGGCCGCCCCCAAGAAGAAGAAGTTCATCAGGTACATGAGGGGGATGATG-3'
Protein context (NP_001080.2, residues 1201-1221): FFFLGAATAY[Thr1211=]RLTIFNILSG

ClinVar aggregate classification (germline): Conflicting classifications of pathogenicity. Review status: criteria provided, conflicting classifications (1 of 4 stars). 3 submissions from 3 submitters: Uncertain significance (1); Likely benign (1). 1 of the submissions does not count toward it. Last evaluated 2025-12-21.

Conditions:
ABCA3-related disorder. Also called: ABCA3-related condition.
Interstitial lung disease due to ABCA3 deficiency. Also called: PULMONARY ALVEOLAR PROTEINOSIS, CONGENITAL, 3. Identifiers: Orphanet 440402, MedGen C1970456, MONDO:0012582, OMIM 610921.

Allele frequency attached by ClinVar (database versions not stated): TOPMed 0.00010; ESP Exome Variant Server 0.00015; 1000 Genomes Project 30x 0.00031; 1000 Genomes Project 0.00040; ExAC 0.00007; gnomAD 0.00009 and 0.00010.
gnomAD v4.1: 114 of 1,613,894 alleles (0.0071%); highest among the groups gnomAD compares: African/African-American, 0.019%; no homozygotes.

Submissions (3):

Labcorp Genetics (formerly Invitae), Labcorp
Classification: Likely benign. Last evaluated: 2025-12-21. Review status: criteria provided, single submitter. Criteria: Invitae Variant Classification Sherloc (09022015). Collection method: clinical testing. Allele origin: germline.

Johns Hopkins Genomics, Johns Hopkins University
Classification: Uncertain significance for Interstitial lung disease due to ABCA3 deficiency. Last evaluated: 2021-01-29. Review status: criteria provided, single submitter. Criteria: ACMG Guidelines, 2015. Collection method: clinical testing. Allele origin: germline.

PreventionGenetics, part of Exact Sciences
Classification: Likely benign for ABCA3-related condition. Last evaluated: 2020-04-20. Review status: no assertion criteria provided. Collection method: clinical testing. Allele origin: germline. Not counted in ClinVar's aggregate classification.
Comment: This variant is classified as likely benign based on ACMG/AMP sequence variant interpretation guidelines (Richards et al. 2015 PMID: 25741868, with internal and published modifications).